The following is an entry in ClinVar:

ClinVar aggregate classification (germline): Uncertain significance (1 of 4 stars; one submission).

Submission:

GeneDx
Classification: Uncertain significance. Last evaluated: 2020-03-11. Review status: criteria provided, single submitter. Criteria: GeneDx Variant Classification Process June 2021. Collection method: clinical testing. Allele origin: germline. Affected: yes.
Comment: Not observed in large population cohorts (Lek et al., 2016); In-frame deletion of 1 amino acid in a non-repeat region; In silico analysis supports a deleterious effect on protein structure/function; Has not been previously published as pathogenic or benign to our knowledge

NM_001039591.3(USP9X):c.2374CTC[1] (p.Leu793del)

Gene: USP9X (ubiquitin specific peptidase 9 X-linked; plus strand). Cytogenetic location: Xp11.4.
Variant type: Microsatellite.
Coding change: c.2374CTC[1] on transcript NM_001039591.3 (MANE Select); one copy of the 3-base unit CTC starting at c.2374; the reference has two copies in a row; one copy, 3 bases deleted.
Protein change: p.Leu793del; deletes leucine 793.
Molecular consequence: inframe deletion.
Genome position (GRCh38, 1-based): chrX:41,167,530-41,167,532, CTC deleted; deleting any 3 consecutive bases within chrX:41,167,527-41,167,532 gives the same sequence; the position shown is the placement nearest the transcript's 3' end. VCF-style (leftmost placement, unchanged base first): chrX-41167526-TCTC-T. GRCh37 (hg19) VCF-style: chrX-41026779-TCTC-T.
Other names: c.2374CTC[1], p.Leu793del (NM_001039590.3); short protein forms L793del.
Identifiers: ClinVar variation 1315271 (VCV001315271.2), dbSNP rs2147116720, ClinGen allele CA2580616993.